The following is an entry in ClinVar:

NM_000051.4(ATM):c.3772C>T (p.His1258Tyr)

Gene: ATM (ATM serine/threonine kinase; plus strand). Cytogenetic location: 11q22.3.
Variant type: single nucleotide variant.
Coding change: c.3772C>T on transcript NM_000051.4 (MANE Select); coding-DNA position 3772, C replaced by T.
Protein change: p.His1258Tyr; replaces histidine 1258 with tyrosine.
Molecular consequence: missense variant.
Genome position (GRCh38, 1-based): chr11:108,284,252, C>T. VCF-style: chr11-108284252-C-T. GRCh37 (hg19) VCF-style: chr11-108154979-C-T.
Other names: c.3772C>T, p.His1258Tyr (NM_001351834.2); short protein forms H1258Y.
Identifiers: ClinVar variation 848849 (VCV000848849.8), dbSNP rs587782741, ClinGen allele CA382524430.

ClinVar aggregate classification (germline): Uncertain significance. Review status: criteria provided, multiple submitters, no conflicts (2 of 4 stars). 3 submissions from 3 submitters: Uncertain significance (2). 1 of the submissions does not count toward it. Last evaluated 2024-10-02.

Conditions:
Ataxia-telangiectasia syndrome (AT). Also called: Ataxia-telangiectasia, complementation group E; Cerebello-oculocutaneous telangiectasia; Immunodeficiency with ataxia telangiectasia; Ataxia-telangiectasia, complementation group D; AT, COMPLEMENTATION GROUP C; Ataxia-telangiectasia. Identifiers: Orphanet 100, MedGen C0004135, MONDO:0008840, OMIM 208900.
Hereditary cancer-predisposing syndrome. Also called: Neoplastic Syndromes, Hereditary; Hereditary Cancer Syndrome; Hereditary neoplastic syndrome; Tumor predisposition. Identifiers: Orphanet 140162, MedGen C0027672, MeSH D009386, MONDO:0015356.

Submissions (3):

Ambry Genetics
Classification: Uncertain significance for Hereditary cancer-predisposing syndrome. Last evaluated: 2024-10-02. Review status: criteria provided, single submitter. Criteria: Ambry Variant Classification Scheme 2023. Collection method: clinical testing. Allele origin: germline.
Comment: The p.H1258Y variant (also known as c.3772C>T), located in coding exon 25 of the ATM gene, results from a C to T substitution at nucleotide position 3772. The histidine at codon 1258 is replaced by tyrosine, an amino acid with similar properties. This amino acid position is well conserved in available vertebrate species. In addition, the in silico prediction for this alteration is inconclusive. Based on the available evidence, the clinical significance of this variant remains unclear.

Labcorp Genetics (formerly Invitae), Labcorp
Classification: Uncertain significance for Ataxia-telangiectasia syndrome. Last evaluated: 2021-08-30. Review status: criteria provided, single submitter. Criteria: Invitae Variant Classification Sherloc (09022015). Collection method: clinical testing. Allele origin: germline.
Comment: This sequence change replaces histidine with tyrosine at codon 1258 of the ATM protein (p.His1258Tyr). The histidine residue is highly conserved and there is a moderate physicochemical difference between histidine and tyrosine. This variant is not present in population databases (ExAC no frequency). This variant has not been reported in the literature in individuals affected with ATM-related conditions. Algorithms developed to predict the effect of missense changes on protein structure and function are either unavailable or do not agree on the potential impact of this missense change (SIFT: "Deleterious"; PolyPhen-2: "Benign"; Align-GVGD: "Class C0"). In summary, the available evidence is currently insufficient to determine the role of this variant in disease. Therefore, it has been classified as a Variant of Uncertain Significance.

Natera, Inc.
Classification: Uncertain significance for Ataxia-telangiectasia. Last evaluated: 2020-02-13. Review status: no assertion criteria provided. Collection method: clinical testing. Allele origin: germline. Not counted in ClinVar's aggregate classification.